The following is an entry in ClinVar:

NM_000152.5(GAA):c.859-19C>A

Gene: GAA (alpha glucosidase; plus strand). Cytogenetic location: 17q25.3.
Variant type: single nucleotide variant.
Coding change: c.859-19C>A on transcript NM_000152.5 (MANE Select); 19 bases into the intron before coding-DNA position 859, C replaced by A.
Molecular consequence: intron variant.
Genome position (GRCh38, 1-based): chr17:80,107,781, C>A. VCF-style: chr17-80107781-C-A. GRCh37 (hg19) VCF-style: chr17-78081580-C-A.
Other names: c.859-19C>A (NM_001406741.1, NM_001406742.1, NM_001079803.3 and 1 more transcripts).
Identifiers: ClinVar variation 4692636 (VCV004692636.2).

ClinVar aggregate classification (germline): Conflicting classifications of pathogenicity. Review status: criteria provided, conflicting classifications (1 of 4 stars). 2 submissions from 2 submitters: Uncertain significance (1); Likely benign (1). Last evaluated 2026-07-01.

Conditions:
Glycogen storage disease, type II (IOPD). Also called: CARDIOMEGALIA GLYCOGENICA DIFFUSA; GLYCOGENOSIS, GENERALIZED, CARDIAC FORM; GSD II; Glycogen storage disease type 2; Acid maltase deficiency disease; Aglucosidase alfa. Identifiers: Orphanet 365, MedGen C0017921, MONDO:0009290, OMIM 232300.

gnomAD v4.1: 5 of 1,609,828 alleles (0.00031%); highest among the groups gnomAD compares: Non-Finnish European, 0.00042%; no homozygotes.

Submissions (2):

Genomenon, Inc
Classification: Uncertain significance for Glycogen storage disease, type II. Last evaluated: 2026-07-01. Review status: criteria provided, single submitter. Criteria: Genomenon Sequence Variant Interpretation Standards - Updated. Collection method: curation. Allele origin: germline. Affected: no.
Comment: GAA c.859-19C>A is an intronic variant located in the acceptor splice region of intron 4. This variant has been reported in the published literature (PMID:33202836). It is absent or not present at a significant frequency in gnomAD. In silico models predict that this variant is not damaging. In conclusion, we classify GAA c.859-19C>A as a variant of uncertain significance.

Labcorp Genetics (formerly Invitae), Labcorp
Classification: Likely benign for Glycogen storage disease, type II. Last evaluated: 2025-04-24. Review status: criteria provided, single submitter. Criteria: Invitae Variant Classification Sherloc (09022015). Collection method: clinical testing. Allele origin: germline.

Literature cited by the submitters: PubMed 33202836 (cited by Genomenon, Inc).